The following is an entry in ClinVar:

ClinVar aggregate classification (germline): Uncertain significance (1 of 4 stars; one submission).

Conditions:
Propionic acidemia (PROP). Also called: GLYCINEMIA, KETOTIC; HYPERGLYCINEMIA WITH KETOACIDOSIS AND LEUKOPENIA; KETOTIC HYPERGLYCINEMIA. Identifiers: Orphanet 35, MedGen C0268579, MONDO:0011628, OMIM 606054, HP:0003571.

Submission:

Labcorp Genetics (formerly Invitae), Labcorp
Classification: Uncertain significance for Propionic acidemia. Last evaluated: 2023-07-17. Review status: criteria provided, single submitter. Criteria: Invitae Variant Classification Sherloc (09022015). Collection method: clinical testing. Allele origin: germline.
Comment: This variant has not been reported in the literature in individuals affected with PCCB-related conditions. A copy number gain of the genomic region encompassing the full coding sequence of the PCCB gene has been identified. The boundaries of this event are unknown as they extend beyond the assayed region for this gene and therefore may encompass additional genes. As the precise location of this event is unknown, it may be in tandem or it may be located elsewhere in the genome. In summary, the available evidence is currently insufficient to determine the role of this variant in disease. Therefore, it has been classified as a Variant of Uncertain Significance.

NC_000003.11:g.(?_135969218)_(136048868_?)dup

Gene: PCCB (propionyl-CoA carboxylase subunit beta; plus strand). Cytogenetic location: 3q22.3.
Variant type: Duplication.
Identifiers: ClinVar variation 1373112 (VCV001373112.5).